The following is an entry in ClinVar:

ClinVar aggregate classification (germline): Benign (0 of 4 stars; one submission).

Conditions:
PDZD2-related disorder. Also called: PDZD2-related condition.

Allele frequency attached by ClinVar (database versions not stated): ESP Exome Variant Server 0.06066; gnomAD 0.06681; TOPMed 0.07011; gnomAD exomes 0.07382; ExAC 0.07941; 1000 Genomes Project 30x 0.09806; 1000 Genomes Project 0.09864.
gnomAD v4.1: 118,371 of 1,614,126 alleles (7.3%); highest among the groups gnomAD compares: East Asian, 23%; 5,168 homozygotes.

Submission:

PreventionGenetics, part of Exact Sciences
Classification: Benign for PDZD2-related condition. Last evaluated: 2019-02-26. Review status: no assertion criteria provided. Collection method: clinical testing. Allele origin: germline.
Comment: This variant is classified as benign based on ACMG/AMP sequence variant interpretation guidelines (Richards et al. 2015 PMID: 25741868, with internal and published modifications).

NM_178140.4(PDZD2):c.3297G>A (p.Thr1099=)

Gene: PDZD2 (PDZ domain containing 2; plus strand). Cytogenetic location: 5p13.3.
Variant type: single nucleotide variant.
Coding change: c.3297G>A on transcript NM_178140.4 (MANE Select); coding-DNA position 3297, G replaced by A.
Protein change: p.Thr1099=; no amino-acid change (threonine 1099 retained).
Molecular consequence: synonymous variant.
Genome position (GRCh38, 1-based): chr5:32,074,403, G>A. VCF-style: chr5-32074403-G-A. GRCh37 (hg19) VCF-style: chr5-32074509-G-A.
Identifiers: ClinVar variation 3060587 (VCV003060587.2), dbSNP rs2291113, ClinGen allele CA3219430.